The following is an entry in ClinVar:

NM_001267550.2(TTN):c.80578G>T (p.Gly26860Ter)

Genes: TTN (titin; minus strand), TTN-AS1 (TTN antisense RNA 1; plus strand). Cytogenetic location: 2q31.2.
Variant type: single nucleotide variant.
Coding change: c.80578G>T on transcript NM_001267550.2 (MANE Select); coding-DNA position 80578, G replaced by T.
Protein change: p.Gly26860Ter; replaces glycine 26860 with a stop codon.
Molecular consequence: nonsense.
Genome position (GRCh38, 1-based): chr2:178,565,554, C>A on the plus strand (G>T on the coding strand, the complement: TTN is on the minus strand). VCF-style: chr2-178565554-C-A. GRCh37 (hg19) VCF-style: chr2-179430281-C-A.
Other names: c.75655G>T, p.Gly25219Ter (NM_001256850.1); c.53383G>T, p.Gly17795Ter (NM_003319.4); c.72874G>T, p.Gly24292Ter (NM_133378.4); c.53758G>T, p.Gly17920Ter (NM_133432.3); c.53959G>T, p.Gly17987Ter (NM_133437.4); short protein forms G25219*, G26860*, G17920*, G24292*, G17795*, G17987*.
Identifiers: ClinVar variation 2945627 (VCV002945627.3), dbSNP rs1184082030, ClinGen allele CA349587727.

ClinVar aggregate classification (germline): Likely pathogenic (1 of 4 stars; one submission).

Conditions:
Dilated cardiomyopathy 1G (CMD1G). Identifiers: Orphanet 154, MedGen C1858763, MONDO:0011400, OMIM 604145.
Autosomal recessive limb-girdle muscular dystrophy type 2J (LGMDR10). Also called: Limb-girdle muscular dystrophy, type 2J; MUSCULAR DYSTROPHY, LIMB-GIRDLE, AUTOSOMAL RECESSIVE 10. Identifiers: Orphanet 140922, MedGen C1837342, MONDO:0012127, OMIM 608807.

Submission:

Labcorp Genetics (formerly Invitae), Labcorp
Classification: Likely pathogenic for Dilated cardiomyopathy 1G; Autosomal recessive limb-girdle muscular dystrophy type 2J. Last evaluated: 2023-03-22. Review status: criteria provided, single submitter. Criteria: Invitae Variant Classification Sherloc (09022015). Collection method: clinical testing. Allele origin: germline.
Comment: This variant is located in the A band of TTN (PMID: 25589632). Truncating variants in this region are significantly overrepresented in patients affected with dilated cardiomyopathy (PMID: 25589632). Truncating variants in this region have also been reported in individuals affected with autosomal recessive centronuclear myopathy (PMID: 23975875). In summary, the currently available evidence indicates that the variant is pathogenic, but additional data are needed to prove that conclusively. Therefore, this variant has been classified as Likely Pathogenic. This sequence change creates a premature translational stop signal (p.Gly26860*) in the TTN gene. While this is not anticipated to result in nonsense mediated decay, it is expected to create a truncated TTN protein. This variant is not present in population databases (gnomAD no frequency). This variant has not been reported in the literature in individuals affected with TTN-related conditions.

Literature cited by the submitters: PubMed 25589632; PubMed 23975875.